The following is an entry in ClinVar:

NM_000264.5(PTCH1):c.394+4A>G

Gene: PTCH1 (patched 1; minus strand). Cytogenetic location: 9q22.32.
Variant type: single nucleotide variant.
Coding change: c.394+4A>G on transcript NM_000264.5 (MANE Select); 4 bases into the intron after coding-DNA position 394, A replaced by G.
Molecular consequence: intron variant.
Genome position (GRCh38, 1-based): chr9:95,506,403, T>C on the plus strand (A>G on the coding strand, the complement: PTCH1 is on the minus strand). VCF-style: chr9-95506403-T-C. GRCh37 (hg19) VCF-style: chr9-98268685-T-C.
Other names: c.391+4A>G (NM_001083603.3); c.196+4A>G (NM_001083602.3, NM_001354919.2); c.394+4A>G (NM_001354918.2); c.-60+4A>G (NM_001083605.3, NM_001083604.3, NM_001083606.3 and 1 more transcripts).
Identifiers: ClinVar variation 2874723 (VCV002874723.3), dbSNP rs2538381501, ClinGen allele CA466103593.

ClinVar aggregate classification (germline): Uncertain significance (1 of 4 stars; one submission).

Conditions:
Gorlin syndrome. Also called: Nevoid Basal Cell Carcinoma Syndrome; Basal cell nevus syndrome. Identifiers: Orphanet 377, MedGen C0004779, MONDO:0007187.

Submission:

Labcorp Genetics (formerly Invitae), Labcorp
Classification: Uncertain significance for Gorlin syndrome. Last evaluated: 2022-11-17. Review status: criteria provided, single submitter. Criteria: Invitae Variant Classification Sherloc (09022015). Collection method: clinical testing. Allele origin: germline.
Comment: This variant is not present in population databases (gnomAD no frequency). This sequence change falls in intron 2 of the PTCH1 gene. It does not directly change the encoded amino acid sequence of the PTCH1 protein. It affects a nucleotide within the consensus splice site. This variant has not been reported in the literature in individuals affected with PTCH1-related conditions. In summary, the available evidence is currently insufficient to determine the role of this variant in disease. Therefore, it has been classified as a Variant of Uncertain Significance. Variants that disrupt the consensus splice site are a relatively common cause of aberrant splicing (PMID: 17576681, 9536098). Algorithms developed to predict the effect of sequence changes on RNA splicing suggest that this variant may disrupt the consensus splice site.

Literature cited by the submitters: PubMed 17576681; PubMed 9536098.